The following is an entry in ClinVar:

ClinVar aggregate classification (germline): Conflicting classifications of pathogenicity. Review status: criteria provided, conflicting classifications (1 of 4 stars). 8 submissions from 8 submitters: Uncertain significance (7); Benign (1). Last evaluated 2026-02-16.

Conditions:
BRCA2-related disorder. Also called: BRCA2-related condition; BRCA2-related disorders. Identifiers: MedGen CN239275.
Breast-ovarian cancer, familial, susceptibility to, 2 (BROVCA2). Also called: BRCA2 Hereditary Breast and Ovarian Cancer. Identifiers: Orphanet 145, MedGen C2675520, MONDO:0012933, OMIM 612555. Disease mechanism: loss of function.
Hereditary cancer-predisposing syndrome. Also called: Neoplastic Syndromes, Hereditary; Tumor predisposition; Hereditary neoplastic syndrome; Hereditary Cancer Syndrome. Identifiers: Orphanet 140162, MedGen C0027672, MeSH D009386, MONDO:0015356.
Familial cancer of breast. Also called: Hereditary breast cancer; BREAST CANCER, FAMILIAL; hereditary breast carcinoma. Identifiers: Orphanet 227535, MedGen C0346153, MONDO:0016419, OMIM 114480. Disease mechanism: loss of function.
Hereditary breast ovarian cancer syndrome. Also called: Hereditary breast and ovarian cancer syndrome (HBOC); Hereditary breast and ovarian cancer; Hereditary breast and ovarian cancer syndrome; Hereditary breast and/or ovarian cancer syndrome; BRCA1- and BRCA2-Associated Hereditary Breast and Ovarian Cancer; Breast and ovarian cancer. Identifiers: Orphanet 145, MedGen C0677776, MeSH D061325, MONDO:0003582. Disease mechanism: loss of function.

Submissions (8):

PreventionGenetics, part of Exact Sciences
Classification: Uncertain significance for BRCA2-related condition. Last evaluated: 2026-02-16. Review status: criteria provided, single submitter. Criteria: ACMG Guidelines, 2015. Collection method: clinical testing. Allele origin: germline.
Comment: The BRCA2 c.8484A>G variant is predicted to result in the amino acid substitution p.Ile2828Met. This variant was reported in two individuals with breast cancer along with another missense variant in BRCA2 (Table 4, Wárlám-Rodenhuis et al. 2005. PubMed ID: 15955690). This variant has not been reported in a large population database (gnomAD), indicating this variant is rare. This variant is interpreted as uncertain significance and benign in ClinVar (Variation ID: 627757). At this time, the clinical significance of this variant is uncertain due to the absence of conclusive functional and genetic evidence.

Labcorp Genetics (formerly Invitae), Labcorp
Classification: Uncertain significance for Hereditary breast ovarian cancer syndrome. Last evaluated: 2025-11-03. Review status: criteria provided, single submitter. Criteria: Invitae Variant Classification Sherloc (09022015). Collection method: clinical testing. Allele origin: germline.
Comment: This sequence change replaces isoleucine, which is neutral and non-polar, with methionine, which is neutral and non-polar, at codon 2828 of the BRCA2 protein (p.Ile2828Met). This variant is not present in population databases (gnomAD no frequency). This missense change has been observed in individual(s) with personal and/or family history of breast cancer (PMID: 15955690). ClinVar contains an entry for this variant (Variation ID: 627757). Invitae Evidence Modeling of protein sequence and biophysical properties (such as structural, functional, and spatial information, amino acid conservation, physicochemical variation, residue mobility, and thermodynamic stability) indicates that this missense variant is not expected to disrupt BRCA2 protein function with a negative predictive value of 95%. In summary, the available evidence is currently insufficient to determine the role of this variant in disease. Therefore, it has been classified as a Variant of Uncertain Significance.

Ambry Genetics
Classification: Benign for Hereditary cancer-predisposing syndrome. Last evaluated: 2025-05-19. Review status: criteria provided, single submitter. Criteria: Ambry Variant Classification Scheme 2023. Collection method: clinical testing. Allele origin: germline.

Quest Diagnostics Nichols Institute San Juan Capistrano
Classification: Uncertain significance. Last evaluated: 2024-12-26. Review status: criteria provided, single submitter. Criteria: Quest Diagnostics criteria. Collection method: clinical testing. Allele origin: unknown.
Comment: The BRCA2 c.8484A>G (p.Ile2828Met) variant has been reported in the published literature in individuals with colorectal cancer (PMID: 33309985 (2020)) and breast cancer (PMID: 15955690 (2005)). This variant has not been reported in large, multi-ethnic general populations (Genome Aggregation Database). Analysis of this variant using bioinformatics tools for the prediction of the effect of amino acid changes on protein structure and function yielded predictions that this variant is benign. Based on the available information, we are unable to determine the clinical significance of this variant.

Molecular Pathology, Peter Maccallum Cancer Centre
Classification: Uncertain significance for Breast-ovarian cancer, familial, susceptibility to, 2. Last evaluated: 2024-06-17. Review status: criteria provided, single submitter. Criteria: ACMG Guidelines, 2015. Collection method: clinical testing. Allele origin: germline. Inheritance: Autosomal dominant inheritance.

Color Diagnostics, LLC DBA Color Health
Classification: Uncertain significance for Hereditary cancer-predisposing syndrome. Last evaluated: 2024-04-29. Review status: criteria provided, single submitter. Criteria: ACMG Guidelines, 2015. Collection method: clinical testing. Allele origin: germline.
Comment: This missense variant replaces isoleucine with methionine at codon 2828 of the BRCA2 protein. Computational prediction suggests that this variant may not impact protein structure and function. To our knowledge, functional studies have not been reported for this variant. This variant has been reported in an individual with a personal and family history of breast cancer (PMID: 15955690). This variant has not been identified in the general population by the Genome Aggregation Database (gnomAD). The available evidence is insufficient to determine the role of this variant in disease conclusively. Therefore, this variant is classified as a Variant of Uncertain Significance.

GeneDx
Classification: Uncertain significance. Last evaluated: 2024-03-13. Review status: criteria provided, single submitter. Criteria: GeneDx Variant Classification Process June 2021. Collection method: clinical testing. Allele origin: germline. Affected: yes.
Comment: Observed in individuals with a personal and/or family history of breast cancer (PMID: 15955690); Not observed at significant frequency in large population cohorts (gnomAD); In silico analysis supports that this missense variant does not alter protein structure/function; Also known as 8712A>G; This variant is associated with the following publications: (PMID: 12228710, 15955690)

Baylor Genetics
Classification: Uncertain significance for Familial cancer of breast. Last evaluated: 2023-07-19. Review status: criteria provided, single submitter. Criteria: ACMG Guidelines, 2015. Collection method: clinical testing. Allele origin: unknown.

Literature cited by the submitters: PubMed 15955690 (cited by 4 submitters); PubMed 33309985 (cited by Quest Diagnostics Nichols Institute San Juan Capistrano).

NM_000059.4(BRCA2):c.8484A>G (p.Ile2828Met)

Gene: BRCA2 (BRCA2 DNA repair associated; plus strand). Cytogenetic location: 13q13.1.
Variant type: single nucleotide variant.
Coding change: c.8484A>G on transcript NM_000059.4 (MANE Select); coding-DNA position 8484, A replaced by G.
Protein change: p.Ile2828Met; replaces isoleucine 2828 with methionine.
Molecular consequence: missense variant.
Genome position (GRCh38, 1-based): chr13:32,370,554, A>G. VCF-style: chr13-32370554-A-G. GRCh37 (hg19) VCF-style: chr13-32944691-A-G.
Other names: short protein forms I2828M.
Identifiers: ClinVar variation 627757 (VCV000627757.26), dbSNP rs950154005, ClinGen allele CA247483644.